The following is an entry in ClinVar:

ClinVar aggregate classification (germline): Likely benign. Review status: criteria provided, multiple submitters, no conflicts (2 of 4 stars). 3 submissions from 3 submitters: Likely benign (3). Last evaluated 2022-12-03.

Conditions:
Cardiomyopathy (CMYO). Also called: Cardiomyopathies. Identifiers: Orphanet 167848, MedGen C0878544, MONDO:0004994, HP:0001638. Inheritance: Various modes of inheritance.
Catecholaminergic polymorphic ventricular tachycardia 1. Also called: RYR2-Related Catecholaminergic Polymorphic Ventricular Tachycardia; VENTRICULAR TACHYCARDIA, STRESS-INDUCED POLYMORPHIC 1; VENTRICULAR TACHYCARDIA, CATECHOLAMINERGIC POLYMORPHIC, 1, WITH OR WITHOUT ATRIAL DYSFUNCTION AND/OR DILATED CARDIOMYOPATHY. Identifiers: Orphanet 3286, MedGen C1631597, MONDO:0011484, OMIM 604772.

Allele frequency attached by ClinVar (database versions not stated): gnomAD exomes below 0.00001; ExAC 0.00001; ESP Exome Variant Server 0.00016.

Submissions (3):

Labcorp Genetics (formerly Invitae), Labcorp
Classification: Likely benign for Catecholaminergic polymorphic ventricular tachycardia 1. Last evaluated: 2022-12-03. Review status: criteria provided, single submitter. Criteria: Invitae Variant Classification Sherloc (09022015). Collection method: clinical testing. Allele origin: germline.

Color Diagnostics, LLC DBA Color Health
Classification: Likely benign for Cardiomyopathy. Last evaluated: 2022-11-06. Review status: criteria provided, single submitter. Criteria: ACMG Guidelines, 2015. Collection method: clinical testing. Allele origin: germline.

Laboratory for Molecular Medicine, Mass General Brigham Personalized Medicine
Classification: Likely benign. Last evaluated: 2012-03-19. Review status: criteria provided, single submitter. Criteria: LMM Criteria. Collection method: clinical testing. Allele origin: germline. Observed: 1 variant allele.
Comment: Glu1189Glu in exon 29 of RYR2: This variant is not expected to have clinical sig nificance because it does not alter an amino acid residue and is not located wit hin the splice consensus sequence. It has been identified in 1/6814 European Ame rican chromosomes from a broad population by the NHLBI Exome Sequencing Project. Glu1189Glu in exon 29 of RYR2 (allele frequ ency = 1/6814) **

NM_001035.3(RYR2):c.3567A>G (p.Glu1189=)

Gene: RYR2 (ryanodine receptor 2; plus strand). Cytogenetic location: 1q43.
Variant type: single nucleotide variant.
Coding change: c.3567A>G on transcript NM_001035.3 (MANE Select); coding-DNA position 3567, A replaced by G.
Protein change: p.Glu1189=; no amino-acid change (glutamic acid 1189 retained).
Molecular consequence: synonymous variant.
Genome position (GRCh38, 1-based): chr1:237,569,288, A>G. VCF-style: chr1-237569288-A-G. GRCh37 (hg19) VCF-style: chr1-237732588-A-G.
Identifiers: ClinVar variation 178119 (VCV000178119.14), dbSNP rs368959706, ClinGen allele CA009266.
Genomic context (GRCh38, chr1:237,569,288, plus strand): 5'-CGAACACACCATGATGTTCACACTGAATGGTGAAATCCTTCTTGATGATTCAGGCTCAGA[A>G]CTGGCTTTCAAGGACTTTGATGTTGGCGATGGTAAGTCTACTATGTTTTGTGTTTTTTTT-3'
Protein context (NP_001026.2, residues 1179-1199): GEILLDDSGS[Glu1189=]LAFKDFDVGD